The following is an entry in ClinVar:

ClinVar aggregate classification (germline): Uncertain significance (1 of 4 stars; one submission).

gnomAD v4.1: 1 of 1,607,926 alleles (0.000062%); highest among the groups gnomAD compares: Non-Finnish European, 0.000085%; no homozygotes.

Submission:

Labcorp Genetics (formerly Invitae), Labcorp
Classification: Uncertain significance. Last evaluated: 2024-10-09. Review status: criteria provided, single submitter. Criteria: Invitae Variant Classification Sherloc (09022015). Collection method: clinical testing. Allele origin: germline.
Comment: This sequence change replaces valine, which is neutral and non-polar, with glycine, which is neutral and non-polar, at codon 348 of the PDE6B protein (p.Val348Gly). This variant is not present in population databases (gnomAD no frequency). This variant has not been reported in the literature in individuals affected with PDE6B-related conditions. Invitae Evidence Modeling of protein sequence and biophysical properties (such as structural, functional, and spatial information, amino acid conservation, physicochemical variation, residue mobility, and thermodynamic stability) indicates that this missense variant is expected to disrupt PDE6B protein function with a positive predictive value of 95%. In summary, the available evidence is currently insufficient to determine the role of this variant in disease. Therefore, it has been classified as a Variant of Uncertain Significance.

NM_000283.4(PDE6B):c.1043T>G (p.Val348Gly)

Gene: PDE6B (phosphodiesterase 6B; plus strand). Cytogenetic location: 4p16.3.
Variant type: single nucleotide variant.
Coding change: c.1043T>G on transcript NM_000283.4 (MANE Select); coding-DNA position 1043, T replaced by G.
Protein change: p.Val348Gly; replaces valine 348 with glycine.
Molecular consequence: missense variant. On other transcripts: intron variant (1).
Genome position (GRCh38, 1-based): chr4:655,990, T>G. VCF-style: chr4-655990-T-G. GRCh37 (hg19) VCF-style: chr4-649779-T-G.
Other names: c.1043T>G, p.Val348Gly (NM_001145291.2); c.206T>G, p.Val69Gly (NM_001145292.2, NM_001350154.3, NM_001379246.1 and 1 more transcripts); c.-48-884T>G (NM_001350155.3); short protein forms V348G, V69G.
Identifiers: ClinVar variation 3683170 (VCV003683170.2).
Genomic context (GRCh38, chr4:655,990, plus strand): 5'-CTGCCCACAGCACACCCTCAGCCGATCACTGGGCCCTGGCCAGCGGCCTTCCAAGCTACG[T>G]GGCAGAAAGCGGCTTTGTGAGTCCCGTGCTGTCTGGAGTCCCCACAGCCTTGCCCTCACT-3'
Protein context (NP_000274.3, residues 338-358): WALASGLPSY[Val348Gly]AESGFICNIM